The following is an entry in ClinVar:

ClinVar aggregate classification (germline): Uncertain significance. Review status: criteria provided, multiple submitters, no conflicts (2 of 4 stars). 6 submissions from 6 submitters: Uncertain significance (5). 1 of the submissions does not count toward it. Last evaluated 2025-07-03.

Conditions:
Marfan syndrome (MFS). Also called: Marfan syndrome, classic; Marfan syndrome type 1; Marfan's syndrome; MARFAN SYNDROME, TYPE I; FBN1-Related Marfan Syndrome. Identifiers: Orphanet 284963, Orphanet 558, MedGen C0024796, MONDO:0007947, OMIM 154700.
Familial thoracic aortic aneurysm and aortic dissection (TAAD). Also called: Thoracic aortic aneurysms and dissections. Identifiers: Orphanet 91387, MedGen C4707243, MONDO:0019625.

Allele frequency attached by ClinVar (database versions not stated): gnomAD exomes below 0.00001; TOPMed 0.00002; gnomAD 0.00001.
gnomAD v4.1: 7 of 1,609,858 alleles (0.00043%); highest among the groups gnomAD compares: Non-Finnish European, 0.0006%; no homozygotes.

Submissions (6):

Labcorp Genetics (formerly Invitae), Labcorp
Classification: Uncertain significance for Marfan syndrome; Familial thoracic aortic aneurysm and aortic dissection. Last evaluated: 2025-07-03. Review status: criteria provided, single submitter. Criteria: Invitae Variant Classification Sherloc (09022015). Collection method: clinical testing. Allele origin: germline.
Comment: This sequence change replaces asparagine, which is neutral and polar, with aspartic acid, which is acidic and polar, at codon 1926 of the FBN1 protein (p.Asn1926Asp). This variant is not present in population databases (gnomAD no frequency). This missense change has been observed in individual(s) with clinical features of FBN1-related conditions (PMID: 22005308, 29907982; internal data). ClinVar contains an entry for this variant (Variation ID: 406371). Invitae Evidence Modeling of protein sequence and biophysical properties (such as structural, functional, and spatial information, amino acid conservation, physicochemical variation, residue mobility, and thermodynamic stability) has been performed for this missense variant. However, the output from this modeling did not meet the statistical confidence thresholds required to predict the impact of this variant on FBN1 protein function. In summary, the available evidence is currently insufficient to determine the role of this variant in disease. Therefore, it has been classified as a Variant of Uncertain Significance.

Ambry Genetics
Classification: Uncertain significance for Familial thoracic aortic aneurysm and aortic dissection. Last evaluated: 2024-07-17. Review status: criteria provided, single submitter. Criteria: Ambry Variant Classification Scheme 2023. Collection method: clinical testing. Allele origin: germline.
Comment: The p.N1926D variant (also known as c.5776A>G), located in coding exon 46 of the FBN1 gene, results from an A to G substitution at nucleotide position 5776. The asparagine at codon 1926 is replaced by aspartic acid, an amino acid with highly similar properties. This alteration has been reported in an individual with Marfan Syndrome; however, that patient was also heterozygous for a frameshift mutation in FBN1 (Lebreiro A et al. Rev Port Cardiol. 2011;30:649-54). This variant was also detected in a cohort of patients with suspected heritable thoracic aortic disorders; however, details were limited (Overwater E et al. Hum Mutat. 2018 Sep;39(9):1173-1192). This amino acid position is well conserved in available vertebrate species. In addition, this alteration is predicted to be tolerated by in silico analysis. Based on the available evidence, the clinical significance of this variant remains unclear.

All of Us Research Program, National Institutes of Health
Classification: Uncertain significance for Marfan syndrome. Last evaluated: 2024-03-24. Review status: criteria provided, single submitter. Criteria: ACMG Guidelines, 2015. Collection method: clinical testing. Allele origin: germline. Inheritance: Autosomal dominant inheritance. Observed: 4 variant alleles, 4 heterozygotes.
Comment: This missense variant replaces asparagine with aspartic acid at codon 1926 of the FBN1 protein. Computational prediction suggests that this variant may not impact protein structure and function (internally defined REVEL score threshold <= 0.5, PMID: 27666373). To our knowledge, functional studies have not been reported for this variant. This variant has been reported in an individual affected with Marfan syndrome, who also carried a pathogenic truncation variant in the same gene (PMID: 22005308). It has also been reported in an individual with suspected hereditary thoracic aortic disease, who also carried a truncation variant in a different gene (PMID: 29907982). This variant has not been identified in the general population by the Genome Aggregation Database (gnomAD). The available evidence is insufficient to determine the role of this variant in disease conclusively. Therefore, this variant is classified as a Variant of Uncertain Significance.

This study involves interpretation of variants in research participants for the purpose of population health screening. Participant phenotype was not available at the time of variant classification. Additional details can be found in publication PMID: 35346344, PMCID: PMC8962531

Color Diagnostics, LLC DBA Color Health
Classification: Uncertain significance for Familial thoracic aortic aneurysm and aortic dissection. Last evaluated: 2024-03-07. Review status: criteria provided, single submitter. Criteria: ACMG Guidelines, 2015. Collection method: clinical testing. Allele origin: germline.
Comment: This missense variant replaces asparagine with aspartic acid at codon 1926 of the FBN1 protein. Computational prediction suggests that this variant may not impact protein structure and function (internally defined REVEL score threshold <= 0.5, PMID: 27666373). To our knowledge, functional studies have not been reported for this variant. This variant has been reported in an individual affected with Marfan syndrome, who also carried a pathogenic truncation variant in the same gene (PMID: 22005308). It has also been reported in an individual with suspected hereditary thoracic aortic disease, who also carried a truncation variant in a different gene (PMID: 29907982). This variant has not been identified in the general population by the Genome Aggregation Database (gnomAD). The available evidence is insufficient to determine the role of this variant in disease conclusively. Therefore, this variant is classified as a Variant of Uncertain Significance.

Women's Health and Genetics/Laboratory Corporation of America, LabCorp
Classification: Uncertain significance. Last evaluated: 2019-10-08. Review status: criteria provided, single submitter. Criteria: LabCorp Variant Classification Summary - May 2015. Collection method: clinical testing. Allele origin: germline.
Comment: Variant summary: FBN1 c.5776A>G (p.Asn1926Asp) results in a conservative amino acid change located in the EGF-like domain (IPR000742) of the encoded protein sequence. Three of five in-silico tools predict a damaging effect of the variant on protein function. The variant was absent in 251084 control chromosomes (gnomAD). The available data on variant occurrences in the general population are insufficient to allow any conclusion about variant significance. c.5776A>G has been reported in the literature in individuals affected with Marfan syndrome or Hereditary Thoracic Aortic disease (Lebreiro_2011, Overwater_2018). However, in both these individuals other possible pathogenic variants have also been identified supporting a benign outcome for this variant. To our knowledge, no experimental evidence demonstrating an impact on protein function has been reported. Two ClinVar submitters cite this variant as uncertain significance. Based on the evidence outlined above, the variant was classified as uncertain significance.

Center for Medical Genetics Ghent, University of Ghent
Classification: Uncertain significance for Marfan syndrome. Last evaluated: 2017-11-07. Review status: no assertion criteria provided. Collection method: clinical testing. Allele origin: germline. Affected: yes. Not counted in ClinVar's aggregate classification.

Literature cited by the submitters: PubMed 22005308 (cited by 5 submitters); PubMed 29907982 (cited by 5 submitters).

NM_000138.5(FBN1):c.5776A>G (p.Asn1926Asp)

Gene: FBN1 (fibrillin 1; minus strand). Cytogenetic location: 15q21.1.
Variant type: single nucleotide variant.
Coding change: c.5776A>G on transcript NM_000138.5 (MANE Select); coding-DNA position 5776, A replaced by G.
Protein change: p.Asn1926Asp; replaces asparagine 1926 with aspartic acid.
Molecular consequence: missense variant.
Genome position (GRCh38, 1-based): chr15:48,446,718, T>C on the plus strand (A>G on the coding strand, the complement: FBN1 is on the minus strand). VCF-style: chr15-48446718-T-C. GRCh37 (hg19) VCF-style: chr15-48738915-T-C.
Other names: short protein forms N1926D.
Identifiers: ClinVar variation 406371 (VCV000406371.30), dbSNP rs1060501097, ClinGen allele CA16614411.